The following is an entry in ClinVar:

NM_001478.5(B4GALNT1):c.214G>A (p.Val72Met)

Gene: B4GALNT1 (beta-1,4-N-acetyl-galactosaminyltransferase 1; minus strand). Cytogenetic location: 12q13.3.
Variant type: single nucleotide variant.
Coding change: c.214G>A on transcript NM_001478.5 (MANE Select); coding-DNA position 214, G replaced by A.
Protein change: p.Val72Met; replaces valine 72 with methionine.
Molecular consequence: missense variant.
Genome position (GRCh38, 1-based): chr12:57,631,919, C>T on the plus strand (G>A on the coding strand, the complement: B4GALNT1 is on the minus strand). VCF-style: chr12-57631919-C-T. GRCh37 (hg19) VCF-style: chr12-58025702-C-T.
Other names: c.214G>A, p.Val72Met (NM_001276468.2, NM_001276469.2); short protein forms V72M.
Identifiers: ClinVar variation 1308333 (VCV001308333.2), dbSNP rs1263895133, ClinGen allele CA385502305.

ClinVar aggregate classification (germline): Uncertain significance (1 of 4 stars; one submission).

Allele frequency attached by ClinVar (database versions not stated): gnomAD 0.00001; gnomAD exomes 0.00003.
gnomAD v4.1: 38 of 1,421,274 alleles (0.0027%); highest among the groups gnomAD compares: Non-Finnish European, 0.0034%; no homozygotes.

Submission:

GeneDx
Classification: Uncertain significance. Last evaluated: 2019-03-27. Review status: criteria provided, single submitter. Criteria: GeneDx Variant Classification Process June 2021. Collection method: clinical testing. Allele origin: germline. Affected: yes.
Comment: In silico analysis, which includes protein predictors and evolutionary conservation, supports that this variant does not alter protein structure/function; Has not been previously published as pathogenic or benign to our knowledge